The following is an entry in ClinVar:

ClinVar aggregate classification (germline): Uncertain significance (1 of 4 stars; one submission).

Submission:

GeneDx
Classification: Uncertain significance. Last evaluated: 2019-10-25. Review status: criteria provided, single submitter. Criteria: GeneDx Variant Classification Process June 2021. Collection method: clinical testing. Allele origin: germline. Affected: yes.
Comment: Not observed in large population cohorts (Lek et al., 2016); In silico analysis, which includes protein predictors and evolutionary conservation, supports that this variant does not alter protein structure/function; Has not been previously published as pathogenic or benign to our knowledge

NM_001205293.3(CACNA1E):c.5732T>C (p.Ile1911Thr)

Gene: CACNA1E (calcium voltage-gated channel subunit alpha1 E; plus strand). Cytogenetic location: 1q25.3.
Variant type: single nucleotide variant.
Coding change: c.5732T>C on transcript NM_001205293.3 (MANE Select); coding-DNA position 5732, T replaced by C.
Protein change: p.Ile1911Thr; replaces isoleucine 1911 with threonine.
Molecular consequence: missense variant.
Genome position (GRCh38, 1-based): chr1:181,785,765, T>C. VCF-style: chr1-181785765-T-C. GRCh37 (hg19) VCF-style: chr1-181754901-T-C.
Other names: c.5732T>C, p.Ile1911Thr (NM_000721.4); c.5675T>C, p.Ile1892Thr (NM_001205294.2); short protein forms I1892T, I1911T.
Identifiers: ClinVar variation 1309726 (VCV001309726.2), dbSNP rs2102847407, ClinGen allele CA343631745.